The following is an entry in ClinVar:

NM_000551.4(VHL):c.621A>T (p.Ala207=)

Genes: VHL (von Hippel-Lindau tumor suppressor; plus strand), LOC107303340 (3p25 von Hippel-Lindau tumor suppressor, E3 ubiquitin protein ligase Alu-mediated recombination region; plus strand). Cytogenetic location: 3p25.3.
Variant type: single nucleotide variant.
Coding change: c.621A>T on transcript NM_000551.4 (MANE Select); coding-DNA position 621, A replaced by T.
Protein change: p.Ala207=; no amino-acid change (alanine 207 retained).
Molecular consequence: synonymous variant. On other transcripts: 3 prime UTR variant (1), non-coding transcript variant (1).
Genome position (GRCh38, 1-based): chr3:10,149,944, A>T. VCF-style: chr3-10149944-A-T. GRCh37 (hg19) VCF-style: chr3-10191628-A-T.
Other names: c.*175A>T (NM_001354723.2); c.498A>T, p.Ala166= (NM_198156.3).
Identifiers: ClinVar variation 2474357 (VCV002474357.4), dbSNP rs2125130855, ClinGen allele CA432423953.

ClinVar aggregate classification (germline): Benign/Likely benign. Review status: criteria provided, multiple submitters, no conflicts (2 of 4 stars). 3 submissions from 3 submitters: Benign (1); Likely benign (2). Last evaluated 2025-09-02.

Conditions:
Chuvash polycythemia. Also called: POLYCYTHEMIA, VHL-DEPENDENT. Identifiers: Orphanet 238557, MedGen C1837915, MONDO:0009892, OMIM 263400.
Von Hippel-Lindau syndrome (VHLS). Also called: VHL syndrome; Von Hippel-Lindau; von Hippel–Lindau syndrome. Identifiers: Orphanet 892, MedGen C0019562, MONDO:0008667, OMIM 193300. Disease mechanism: loss of function.
Hereditary cancer-predisposing syndrome. Also called: Hereditary neoplastic syndrome; Tumor predisposition; Neoplastic Syndromes, Hereditary; Hereditary Cancer Syndrome. Identifiers: Orphanet 140162, MedGen C0027672, MeSH D009386, MONDO:0015356.

Allele frequency attached by ClinVar (database versions not stated): gnomAD exomes below 0.00001.
gnomAD v4.1: 1 of 1,614,076 alleles (0.000062%); highest among the groups gnomAD compares: Non-Finnish European, 0.000085%; no homozygotes.

Submissions (3):

Labcorp Genetics (formerly Invitae), Labcorp
Classification: Likely benign for Von Hippel-Lindau syndrome; Chuvash polycythemia. Last evaluated: 2025-09-02. Review status: criteria provided, single submitter. Criteria: Invitae Variant Classification Sherloc (09022015). Collection method: clinical testing. Allele origin: germline.

Myriad Genetics, Inc.
Classification: Benign for Von Hippel-Lindau syndrome. Last evaluated: 2025-06-13. Review status: criteria provided, single submitter. Criteria: Myriad Autosomal Dominant, Autosomal Recessive and X-Linked Classification Criteria (2023). Collection method: clinical testing. Allele origin: unknown.
Comment: This variant is considered benign. This variant is a silent/synonymous amino acid change and it is not expected to impact splicing.

Ambry Genetics
Classification: Likely benign for Hereditary cancer-predisposing syndrome. Last evaluated: 2022-12-27. Review status: criteria provided, single submitter. Criteria: Ambry Variant Classification Scheme 2023. Collection method: clinical testing. Allele origin: germline.